The following is an entry in ClinVar:

NM_024537.4(CARS2):c.1286A>G (p.His429Arg)

Gene: CARS2 (cysteinyl-tRNA synthetase 2, mitochondrial; minus strand). Cytogenetic location: 13q34.
Variant type: single nucleotide variant.
Coding change: c.1286A>G on transcript NM_024537.4 (MANE Select); coding-DNA position 1286, A replaced by G.
Protein change: p.His429Arg; replaces histidine 429 with arginine.
Molecular consequence: missense variant. On other transcripts: non-coding transcript variant (2).
Genome position (GRCh38, 1-based): chr13:110,645,998, T>C on the plus strand (A>G on the coding strand, the complement: CARS2 is on the minus strand). VCF-style: chr13-110645998-T-C. GRCh37 (hg19) VCF-style: chr13-111298345-T-C.
Other names: c.500A>G, p.His167Arg (NM_001352252.2); short protein forms H167R, H429R.
Identifiers: ClinVar variation 2716119 (VCV002716119.3), dbSNP rs1185589881, ClinGen allele CA388743560.

ClinVar aggregate classification (germline): Uncertain significance (1 of 4 stars; one submission).

Conditions:
Combined oxidative phosphorylation defect type 27. Also called: Combined oxidative phosphorylation deficiency 27. Identifiers: Orphanet 477774, MedGen C5567608, MONDO:0014728, OMIM 616672.

Allele frequency attached by ClinVar (database versions not stated): TOPMed 0.00002.
gnomAD v4.1: 2 of 1,613,838 alleles (0.00012%); highest among the groups gnomAD compares: Non-Finnish European, 0.000085%; no homozygotes.

Submission:

Labcorp Genetics (formerly Invitae), Labcorp
Classification: Uncertain significance for Combined oxidative phosphorylation defect type 27. Last evaluated: 2023-05-25. Review status: criteria provided, single submitter. Criteria: Invitae Variant Classification Sherloc (09022015). Collection method: clinical testing. Allele origin: germline.
Comment: This variant has not been reported in the literature in individuals affected with CARS2-related conditions. Advanced modeling of protein sequence and biophysical properties (such as structural, functional, and spatial information, amino acid conservation, physicochemical variation, residue mobility, and thermodynamic stability) performed at Invitae indicates that this missense variant is not expected to disrupt CARS2 protein function. In summary, the available evidence is currently insufficient to determine the role of this variant in disease. Therefore, it has been classified as a Variant of Uncertain Significance. This variant is present in population databases (no rsID available, gnomAD 0.002%). This sequence change replaces histidine, which is basic and polar, with arginine, which is basic and polar, at codon 429 of the CARS2 protein (p.His429Arg).